The following is an entry in ClinVar:

ClinVar aggregate classification (germline): Uncertain significance. Review status: reviewed by expert panel (3 of 4 stars). 2 submissions from 2 submitters: Uncertain significance (1). 1 of the submissions does not count toward it. Last evaluated 2025-08-01.

Conditions:
Central core myopathy (CMYO1A). Also called: Central core disease; Myopathy, central fibrillar; CONGENITAL MYOPATHY 1A, AUTOSOMAL DOMINANT, WITH SUSCEPTIBILITY TO MALIGNANT HYPERTHERMIA. Identifiers: Orphanet 597, MedGen C5830701, MONDO:0007294, OMIM 117000.
Malignant hyperthermia, susceptibility to, 1 (MHS1). Also called: Malignant hyperthermia suceptibility 1; Anesthesia related hyperthermia; Malignant hyperpyrexia; Fulminating hyperpyrexia; Pharmacogenic myopathy; RYR1-Related Malignant Hyperthermia Susceptibility. Identifiers: Orphanet 423, MedGen C2930980, MONDO:0007783, OMIM 145600.

Submissions (2):

ClinGen Malignant Hyperthermia Susceptibility Variant Curation Expert Panel, ClinGen
Classification: Uncertain significance for Malignant hyperthermia, susceptibility to, 1. Last evaluated: 2025-08-01. Review status: reviewed by expert panel. Criteria: ClinGen MHS ACMG Specifications V2. Collection method: curation. Allele origin: germline. Inheritance: Autosomal dominant inheritance.
Comment: This pathogenicity assessment is relevant only for malignant hyperthermia susceptibility (MHS) inherited in an autosomal dominant pattern. Variants in RYR1 can also cause other myopathies inherited in an autosomal dominant pattern or in an autosomal recessive pattern. Some of these disorders may predispose individuals to malignant hyperthermia. RYR1 variants may also contribute to a malignant hyperthermia reaction in combination with other genetic and non-genetic factors and the clinician needs to consider such factors in making management decisions. This sequence variant predicts a substitution of leucine with valine at codon 4568 of the RYR1 protein, p.(Leu4568Val). This variant is not present in a large population database (gnomAD) at the time this variant was interpreted. No functional studies were identified for this variant. This variant does not reside in a hotspot for pathogenic variants that contribute to MHS. A REVEL score of 0.775 supports neither a pathogenic nor a benign status for this variant. This variant has been classified as a Variant of Unknown Significance. No criteria were implemented.

Mendelics
Classification: Likely pathogenic for Central core myopathy. Last evaluated: 2025-11-17. Review status: criteria provided, single submitter. Criteria: Mendelics Assertion Criteria 2017. Collection method: clinical testing. Allele origin: unknown. Not counted in ClinVar's aggregate classification.
Comment: Variant NM_000540.3(RYR1):c.13702C>G (p.Leu4568Val) has frequency zero in GnomAD v4.1.0. Leucine at position 4568 is conserved in various biological species, and computer pathogenicity prediction programs suggest that its substitution by valine is deleterious. This variant has not been previously described in the medical literature. However, a variant at the same codon but leading to the substitution of a different amino acid (p.Leu4568Pro) has been previously reported in the literature in an individual with central core myopathy (PMID: 16621918).

Literature cited by the submitters: PubMed 16621918 (cited by Mendelics).

NM_000540.3(RYR1):c.13702C>G (p.Leu4568Val)

Gene: RYR1 (ryanodine receptor 1; plus strand). Cytogenetic location: 19q13.2.
Variant type: single nucleotide variant.
Coding change: c.13702C>G on transcript NM_000540.3 (MANE Select); coding-DNA position 13702, C replaced by G.
Protein change: p.Leu4568Val; replaces leucine 4568 with valine.
Molecular consequence: missense variant.
Genome position (GRCh38, 1-based): chr19:38,570,649, C>G. VCF-style: chr19-38570649-C-G. GRCh37 (hg19) VCF-style: chr19-39061289-C-G.
Other names: NM_000540.3(RYR1):c.13702C>G; p.Leu4568Val; c.13687C>G, p.Leu4563Val (NM_001042723.2); short protein forms L4563V, L4568V.
Identifiers: ClinVar variation 803556 (VCV000803556.5), dbSNP rs1599646668, ClinGen allele CA405678835.